The following is an entry in ClinVar:

ClinVar aggregate classification (germline): Uncertain significance (1 of 4 stars; one submission).

Allele frequency attached by ClinVar (database versions not stated): gnomAD exomes below 0.00001.
gnomAD v4.1: 5 of 1,613,110 alleles (0.00031%); highest among the groups gnomAD compares: South Asian, 0.0033%; no homozygotes.

Submission:

Labcorp Genetics (formerly Invitae), Labcorp
Classification: Uncertain significance. Last evaluated: 2023-07-17. Review status: criteria provided, single submitter. Criteria: Invitae Variant Classification Sherloc (09022015). Collection method: clinical testing. Allele origin: germline.
Comment: In summary, the available evidence is currently insufficient to determine the role of this variant in disease. Therefore, it has been classified as a Variant of Uncertain Significance. An algorithm developed to predict the effect of missense changes on protein structure and function (PolyPhen-2) suggests that this variant is likely to be tolerated. ClinVar contains an entry for this variant (Variation ID: 1931854). This variant has not been reported in the literature in individuals affected with CLCN6-related conditions. This variant is present in population databases (no rsID available, gnomAD 0.003%). This sequence change replaces valine, which is neutral and non-polar, with alanine, which is neutral and non-polar, at codon 79 of the CLCN6 protein (p.Val79Ala).

NM_001286.5(CLCN6):c.236T>C (p.Val79Ala)

Gene: CLCN6 (chloride voltage-gated channel 6; plus strand). Cytogenetic location: 1p36.22.
Variant type: single nucleotide variant.
Coding change: c.236T>C on transcript NM_001286.5 (MANE Select); coding-DNA position 236, T replaced by C.
Protein change: p.Val79Ala; replaces valine 79 with alanine.
Molecular consequence: missense variant. On other transcripts: non-coding transcript variant (1).
Genome position (GRCh38, 1-based): chr1:11,816,637, T>C. VCF-style: chr1-11816637-T-C. GRCh37 (hg19) VCF-style: chr1-11876694-T-C.
Other names: c.170T>C, p.Val57Ala (NM_001256959.2); short protein forms V57A, V79A.
Identifiers: ClinVar variation 1931854 (VCV001931854.5), dbSNP rs1204139184, ClinGen allele CA338425750.